The following is an entry in ClinVar:

NM_182641.4(BPTF):c.4016G>A (p.Gly1339Asp)

Gene: BPTF (bromodomain PHD finger transcription factor; plus strand). Cytogenetic location: 17q24.2.
Variant type: single nucleotide variant.
Coding change: c.4016G>A on transcript NM_182641.4 (MANE Select); coding-DNA position 4016, G replaced by A.
Protein change: p.Gly1339Asp; replaces glycine 1339 with aspartic acid.
Molecular consequence: missense variant.
Genome position (GRCh38, 1-based): chr17:67,911,900, G>A. VCF-style: chr17-67911900-G-A. GRCh37 (hg19) VCF-style: chr17-65908016-G-A.
Other names: c.4394G>A, p.Gly1465Asp (NM_004459.7); c.4016G>A (NM_182641.3); short protein forms G1339D, G1465D.
Identifiers: ClinVar variation 2065684 (VCV002065684.5), dbSNP rs140673996, ClinGen allele CA293263287.

ClinVar aggregate classification (germline): Conflicting classifications of pathogenicity. Review status: criteria provided, conflicting classifications (1 of 4 stars). 2 submissions from 2 submitters: Uncertain significance (1); Likely benign (1). Last evaluated 2023-10-10.

Conditions:
Inborn genetic diseases. Identifiers: MedGen C0950123, MeSH D030342.

Allele frequency attached by ClinVar (database versions not stated): gnomAD exomes below 0.00001.
gnomAD v4.1: 9 of 1,614,082 alleles (0.00056%); highest among the groups gnomAD compares: East Asian, 0.0022%; no homozygotes.

Submissions (2):

Ambry Genetics
Classification: Likely benign for Inborn genetic diseases. Last evaluated: 2023-10-10. Review status: criteria provided, single submitter. Criteria: Ambry Variant Classification Scheme 2023. Collection method: clinical testing. Allele origin: germline.

Labcorp Genetics (formerly Invitae), Labcorp
Classification: Uncertain significance. Last evaluated: 2023-07-17. Review status: criteria provided, single submitter. Criteria: Invitae Variant Classification Sherloc (09022015). Collection method: clinical testing. Allele origin: germline.
Comment: This sequence change replaces glycine, which is neutral and non-polar, with aspartic acid, which is acidic and polar, at codon 1465 of the BPTF protein (p.Gly1465Asp). In summary, the available evidence is currently insufficient to determine the role of this variant in disease. Therefore, it has been classified as a Variant of Uncertain Significance. Algorithms developed to predict the effect of missense changes on protein structure and function output the following: SIFT: "Not Available"; PolyPhen-2: "Benign"; Align-GVGD: "Not Available". The aspartic acid amino acid residue is found in multiple mammalian species, which suggests that this missense change does not adversely affect protein function. ClinVar contains an entry for this variant (Variation ID: 2065684). This variant has not been reported in the literature in individuals affected with BPTF-related conditions. This variant is present in population databases (rs140673996, gnomAD 0.006%).